The following is an entry in ClinVar:

ClinVar aggregate classification (germline): Uncertain significance (1 of 4 stars; one submission).

Conditions:
Hereditary pheochromocytoma and paraganglioma. Also called: Hereditary pheochromocytoma-paraganglioma; Hereditary Paraganglioma-Pheochromocytoma Syndromes; Hereditary paragangliomas and pheochromocytomas. Identifiers: Orphanet 29072, MedGen C4274332, MONDO:0017366.

Submission:

Labcorp Genetics (formerly Invitae), Labcorp
Classification: Uncertain significance for Hereditary pheochromocytoma and paraganglioma. Last evaluated: 2024-02-06. Review status: criteria provided, single submitter. Criteria: Invitae Variant Classification Sherloc (09022015). Collection method: clinical testing. Allele origin: germline.
Comment: This sequence change creates a premature translational stop signal (p.Gln151*) in the SDHAF2 gene. While this is not anticipated to result in nonsense mediated decay, it is expected to disrupt the last 16 amino acid(s) of the SDHAF2 protein. This variant is not present in population databases (gnomAD no frequency). This variant has not been reported in the literature in individuals affected with SDHAF2-related conditions. ClinVar contains an entry for this variant (Variation ID: 969632). Experimental studies and prediction algorithms are not available or were not evaluated, and the functional significance of this variant is currently unknown. Algorithms developed to predict the effect of sequence changes on RNA splicing suggest that this variant may disrupt the consensus splice site. In summary, the available evidence is currently insufficient to determine the role of this variant in disease. Therefore, it has been classified as a Variant of Uncertain Significance.

NM_017841.4(SDHAF2):c.451C>T (p.Gln151Ter)

Gene: SDHAF2 (succinate dehydrogenase complex assembly factor 2; plus strand). Cytogenetic location: 11q12.2.
Variant type: single nucleotide variant.
Coding change: c.451C>T on transcript NM_017841.4 (MANE Select); coding-DNA position 451, C replaced by T.
Protein change: p.Gln151Ter; replaces glutamine 151 with a stop codon.
Molecular consequence: nonsense.
Genome position (GRCh38, 1-based): chr11:61,446,021, C>T. VCF-style: chr11-61446021-C-T. GRCh37 (hg19) VCF-style: chr11-61213493-C-T.
Other names: short protein forms Q151*.
Identifiers: ClinVar variation 969632 (VCV000969632.8), dbSNP rs370174263, ClinGen allele CA380685428.